The following is an entry in ClinVar:

NM_022370.4(ROBO3):c.1485C>A (p.Asp495Glu)

Gene: ROBO3 (roundabout guidance receptor 3; plus strand). Cytogenetic location: 11q24.2.
Variant type: single nucleotide variant.
Coding change: c.1485C>A on transcript NM_022370.4 (MANE Select); coding-DNA position 1485, C replaced by A.
Protein change: p.Asp495Glu; replaces aspartic acid 495 with glutamic acid.
Molecular consequence: missense variant.
Genome position (GRCh38, 1-based): chr11:124,873,038, C>A. VCF-style: chr11-124873038-C-A. GRCh37 (hg19) VCF-style: chr11-124742934-C-A.
Other names: short protein forms D495E.
Identifiers: ClinVar variation 303238 (VCV000303238.9), dbSNP rs144055440, ClinGen allele CA6343497.

ClinVar aggregate classification (germline): Likely benign. Review status: criteria provided, multiple submitters, no conflicts (2 of 4 stars). 3 submissions from 3 submitters: Likely benign (3). Last evaluated 2018-12-03.

Conditions:
Gaze palsy, familial horizontal, with progressive scoliosis 1 (HGPPS1). Identifiers: Orphanet 2744, MedGen C4551964, MONDO:0020790, OMIM 607313.

Allele frequency attached by ClinVar (database versions not stated): TOPMed 0.00095; 1000 Genomes Project 30x 0.00281; 1000 Genomes Project 0.00280.
gnomAD v4.1: 504 of 1,613,936 alleles (0.031%); highest among the groups gnomAD compares: East Asian, 0.72%; 2 homozygotes.

Submissions (3):

Labcorp Genetics (formerly Invitae), Labcorp
Classification: Likely benign. Last evaluated: 2018-12-03. Review status: criteria provided, single submitter. Criteria: Invitae Variant Classification Sherloc (09022015). Collection method: clinical testing. Allele origin: germline.

Illumina Laboratory Services, Illumina
Classification: Likely benign for Gaze palsy, familial horizontal, with progressive scoliosis 1. Last evaluated: 2018-01-13. Review status: criteria provided, single submitter. Criteria: ICSL Variant Classification Criteria 13 December 2019. Collection method: clinical testing. Allele origin: germline.
Comment: This variant was observed in the ICSL laboratory as part of a predisposition screen in an ostensibly healthy population. It had not been previously curated by ICSL or reported in the Human Gene Mutation Database (HGMD: prior to June 1st, 2018), and was therefore a candidate for classification through an automated scoring system. Utilizing variant allele frequency, disease prevalence and penetrance estimates, and inheritance mode, an automated score was calculated to assess if this variant is too frequent to cause the disease. Based on the score and internal cut-off values, a variant classified as likely benign is not then subjected to further curation. The score for this variant resulted in a classification of likely benign for this disease.

Breakthrough Genomics
Classification: Likely benign. Review status: criteria provided, single submitter. Criteria: ACMG Guidelines, 2015. Collection method: not provided. Allele origin: germline. Inheritance: Autosomal recessive inheritance. Affected: yes.